The following is an entry in ClinVar:

ClinVar aggregate classification (germline): Likely pathogenic (1 of 4 stars; one submission).

Conditions:
Developmental and epileptic encephalopathy, 32 (DEE32). Also called: Epileptic encephalopathy, early infantile, 32. Identifiers: Orphanet 442835, MedGen C4225350, MONDO:0014607, OMIM 616366.

Submission:

Victorian Clinical Genetics Services, Murdoch Childrens Research Institute
Classification: Likely pathogenic for Developmental and epileptic encephalopathy, 32. Last evaluated: 2025-04-07. Review status: criteria provided, single submitter. Criteria: ACMG Guidelines, 2015. Collection method: clinical testing. Allele origin: germline. Affected: yes.
Comment: This variant is classified as Likely pathogenic. Evidence in support of pathogenic classification: Variant is absent from gnomAD (v2, v3 and v4); Missense variant predicted to be damaging by in silico tool(s) or highly conserved with a major amino acid change; Additional information: Variant is predicted to result in a missense amino acid change from asparagine to lysine; This variant is heterozygous; This gene is associated with autosomal dominant disease; Alternative amino acid change(s) at the same position are present in gnomAD (Highest allele count: v2: 2 heterozygote(s), 0 homozygote(s)); This variant has no previous evidence of pathogenicity; No published segregation evidence has been identified for this variant; No published functional evidence has been identified for this variant; No comparable missense variants have previous evidence for pathogenicity; Variant is located in the annotated ion transport protein domain (DECIPHER); Dominant negative, loss of function and gain of function are known mechanisms of disease in this gene and are all associated with developmental and epileptic encephalopathy 32 (MIM#616366). Some missense variants have been reported to have multiple mechanisms simultaneously (PMIDs: 29050392, 33802230); Variants in this gene are known to have variable expressivity. Intrafamilial variability has been reported (PMID: 33802230).

Literature cited by the submitters: PubMed 29050392; PubMed 33802230.

NM_004974.4(KCNA2):c.1236T>A (p.Asn412Lys)

Gene: KCNA2 (potassium voltage-gated channel subfamily A member 2; minus strand). Cytogenetic location: 1p13.3.
Variant type: single nucleotide variant.
Coding change: c.1236T>A on transcript NM_004974.4 (MANE Select); coding-DNA position 1236, T replaced by A.
Protein change: p.Asn412Lys; replaces asparagine 412 with lysine.
Molecular consequence: missense variant. On other transcripts: intron variant (1).
Genome position (GRCh38, 1-based): chr1:110,603,547, A>T on the plus strand (T>A on the coding strand, the complement: KCNA2 is on the minus strand). VCF-style: chr1-110603547-A-T. GRCh37 (hg19) VCF-style: chr1-111146169-A-T.
Other names: c.894+342T>A (NM_001204269.2); short protein forms N412K.
Identifiers: ClinVar variation 4531671 (VCV004531671.1).
Genomic context (GRCh38, chr1:110,603,547, plus strand): 5'-CACTTGCAAGTATTGGGCCTGTTCCTCTCCCTCTGTCTCCCGGTGGTAGAAGTAGTTGAA[A>T]TTGGACACAATGACAGGGACCGGTAAGGCAATAGTTAACACACCTGCAATCGCACATAGG-3'
Protein context (NP_004965.1, residues 402-422): IALPVPVIVS[Asn412Lys]FNYFYHRETE